The following is an entry in ClinVar:

NM_025114.4(CEP290):c.4943_4944insTCAATAAATTAGGTATTGATGGGACGTATTTCAAAATAATAAGAGCTATCTATGACAAACCCACAGCCAATATNNNNNNNNNNAAAAAAAAAAAAAAAAAAAAAAAGAAAGTATC (p.Gln1649_Asp1650insTerGln)

Gene: CEP290 (centrosomal protein 290; minus strand). Cytogenetic location: 12q21.32.
Variant type: Insertion.
Coding change: c.4943_4944insTCAATAAATTAGGTATTGATGGGACGTATTTCAAAATAATAAGAGCTATCTATGACAAACCCACAGCCAATATNNNNNNNNNNAAAAAAAAAAAAAAAAAAAAAAAGAAAGTATC on transcript NM_025114.4 (MANE Select); coding-DNA positions 4943 to 4944, TCAATAAATTAGGTATTGATGGGACGTATTTCAAAATAATAAGAGCTATCTATGACAAACCCACAGCCAATATNNNNNNNNNNAAAAAAAAAAAAAAAAAAAAAAAGAAAGTATC inserted.
Protein change: p.Gln1649_Asp1650insTerGln.
Molecular consequence: nonsense, inframe insertion.
Genome position: GRCh38: chr12:88,083,111-88,083,112. GRCh37 (hg19): chr12:88,476,888-88,476,889.
Identifiers: ClinVar variation 2019832 (VCV002019832.4), dbSNP rs2499957344.

ClinVar aggregate classification (germline): Pathogenic (1 of 4 stars; one submission).

Conditions:
Joubert syndrome. Also called: CEREBELLOPARENCHYMAL DISORDER IV; JOUBERT-BOLTSHAUSER SYNDROME; Familial aplasia of the vermis. Identifiers: Orphanet 475, MedGen C5979921, MONDO:0018772.
Meckel-Gruber syndrome. Also called: DYSENCEPHALIA SPLANCHNOCYSTICA; GRUBER SYNDROME; Dysencephalia splachnocystica. Identifiers: Orphanet 564, MedGen C0265215, MONDO:0018921.
Nephronophthisis. Also called: Juvenile Nephronophthisis. Identifiers: Orphanet 655, MedGen C0687120, MONDO:0019005, HP:0000090.

Submission:

Labcorp Genetics (formerly Invitae), Labcorp
Classification: Pathogenic for Joubert syndrome; Meckel-Gruber syndrome; Nephronophthisis. Last evaluated: 2022-07-26. Review status: criteria provided, single submitter. Criteria: Invitae Variant Classification Sherloc (09022015). Collection method: clinical testing. Allele origin: germline.
Comment: For these reasons, this variant has been classified as Pathogenic. Retrotransposon insertions including LINE1 (L1), Alu, and SVA (SINE-VNTR-Alu) have been reported to be disease-causing through disruption of either a coding region or splice site (PMID: 19763152, 20307669, 22406018) and loss-of-function variants in CEP290 are known to be pathogenic (PMID: 16909394, 17345604, 20690115). Algorithms developed to predict the effect of sequence changes on RNA splicing suggest that this variant may disrupt the consensus splice site. This variant has not been reported in the literature in individuals affected with CEP290-related conditions. This variant is not present in population databases (gnomAD no frequency). This sequence change inserts a large fragment of DNA, likely a transposable element, in exon 37 of the CEP290 gene (c.4943_4944ins?), causing a frameshift at codon 1650 (p.Asp1650fs). The exact size and sequence of the insertion cannot be determined by the current assay. However, the insertion is expected to result in an absent or disrupted protein product.

Literature cited by the submitters: PubMed 19763152; PubMed 20307669; PubMed 22406018; PubMed 16909394; PubMed 17345604; PubMed 20690115.